The following is an entry in ClinVar:

NM_018941.4(CLN8):c.796G>A (p.Ala266Thr)

Gene: CLN8 (CLN8 transmembrane ER and ERGIC protein; plus strand). Cytogenetic location: 8p23.3.
Variant type: single nucleotide variant.
Coding change: c.796G>A on transcript NM_018941.4 (MANE Select); coding-DNA position 796, G replaced by A.
Protein change: p.Ala266Thr; replaces alanine 266 with threonine.
Molecular consequence: missense variant.
Genome position (GRCh38, 1-based): chr8:1,780,502, G>A. VCF-style: chr8-1780502-G-A. GRCh37 (hg19) VCF-style: chr8-1728668-G-A.
Other names: short protein forms A266T.
Identifiers: ClinVar variation 424331 (VCV000424331.14), dbSNP rs766292710, ClinGen allele CA4599354.

ClinVar aggregate classification (germline): Conflicting classifications of pathogenicity. Review status: criteria provided, conflicting classifications (1 of 4 stars). 4 submissions from 4 submitters: Uncertain significance (2); Likely benign (1). 1 of the submissions does not count toward it. Last evaluated 2025-10-17.

Conditions:
Neuronal ceroid lipofuscinosis 8 (CLN8). Also called: CLN8-Related Neuronal Ceroid-Lipofuscinosis. Identifiers: Orphanet 168491, Orphanet 228354, Orphanet 79264, MedGen C1838570, MONDO:0010830, OMIM 600143.
Neuronal ceroid lipofuscinosis. Also called: Neuronal Ceroid Lipofuscinoses. Identifiers: Orphanet 216, Orphanet 79263, MedGen C0027877, MONDO:0016295. Disease mechanism: loss of function.
Inborn genetic diseases. Identifiers: MedGen C0950123, MeSH D030342.

Allele frequency attached by ClinVar (database versions not stated): gnomAD 0.00007 and 0.00008; ExAC 0.00008; gnomAD exomes 0.00008; TOPMed 0.00008.
gnomAD v4.1: 55 of 1,614,054 alleles (0.0034%); highest among the groups gnomAD compares: East Asian, 0.069%; no homozygotes.

Submissions (4):

Labcorp Genetics (formerly Invitae), Labcorp
Classification: Likely benign for Neuronal ceroid lipofuscinosis. Last evaluated: 2025-10-17. Review status: criteria provided, single submitter. Criteria: Invitae Variant Classification Sherloc (09022015). Collection method: clinical testing. Allele origin: germline.

Ambry Genetics
Classification: Uncertain significance for Inborn genetic diseases. Last evaluated: 2023-03-22. Review status: criteria provided, single submitter. Criteria: Ambry Variant Classification Scheme 2023. Collection method: clinical testing. Allele origin: germline.

GeneDx
Classification: Uncertain significance. Last evaluated: 2022-04-14. Review status: criteria provided, single submitter. Criteria: GeneDx Variant Classification Process June 2021. Collection method: clinical testing. Allele origin: germline. Affected: yes.
Comment: In silico analysis supports that this missense variant does not alter protein structure/function; Has not been previously published as pathogenic or benign to our knowledge

Natera, Inc.
Classification: Uncertain significance for Neuronal ceroid lipofuscinosis 8. Last evaluated: 2020-09-16. Review status: no assertion criteria provided. Collection method: clinical testing. Allele origin: germline. Not counted in ClinVar's aggregate classification.